The following is an entry in ClinVar:

NC_000010.11:g.36620136_36660204dup

Variant type: Duplication.
Identifiers: ClinVar variation 157157 (VCV000157157.2).

ClinVar aggregate classification (germline): not provided (0 of 4 stars; one submission).

Conditions:
Large for gestational age. Identifiers: MedGen C1848395, HP:0001520.

Submission:

Institute of Molecular and Cell Biology, University of Tartu
No classification provided. Condition: Large for gestational age. Review status: no classification provided. Collection method: case-control. Allele origin: unknown. Affected: yes. Study: Kasak2014.
Comment: The study aimed to determine the contribution of copy number variants in the genetic etiology of normal and complicated pregnancies. The samples represented (i) maternal blood DNA drawn from healthy pregnant women during 1st or 2nd trimester and (ii) maternal and paternal blood DNA drawn at term pregnancy cases representing normal and complicated gestations (severe preeclampsia, PE; gestational diabetes, GD; small-for-gestational age newborn, SGA; large-for-gestational age newborn, LGA). We performed CNV calling based on genome-wide genotyping dataset (Illumina HumanOmniExpress-24-v1 BeadChip) by applying three algorithms, QuantiSNP, GADA (Genome Alteration Detection Algorithm) and CNstream in parallel. The acquired CNV calls were merged with HD-CNV (Hotspot Detector for Copy Number Variants) program and only the CNVs predicted by at least two programs, were considered in subsequent analysis.

Literature cited by the submitters: PubMed 25666259.